The following is an entry in ClinVar:

ClinVar aggregate classification (germline): Conflicting classifications of pathogenicity. Review status: criteria provided, conflicting classifications (1 of 4 stars). 8 submissions from 8 submitters: Uncertain significance (7); Likely benign (1). Last evaluated 2026-01-12.

Conditions:
Merosin deficient congenital muscular dystrophy (MDC1A). Also called: Congenital merosin-deficient muscular dystrophy 1A; Congenital Muscular Dystrophy Type 1A (MDC1A). Identifiers: Orphanet 258, MedGen C1263858, MONDO:0011925, OMIM 607855.
Muscular dystrophy, limb-girdle, autosomal recessive 23. Identifiers: Orphanet 565837, MedGen C4748327, MONDO:0029136, OMIM 618138.
Inborn genetic diseases. Identifiers: MedGen C0950123, MeSH D030342.
LAMA2-related muscular dystrophy (LAMA2-RD). Also called: Laminin alpha 2-related dystrophy. Identifiers: MedGen C5679788, MONDO:0100228.

Allele frequency attached by ClinVar (database versions not stated): gnomAD 0.00002; TOPMed 0.00004; gnomAD exomes 0.00006 and 0.00008; ESP Exome Variant Server 0.00008; ExAC 0.00011.
gnomAD v4.1: 96 of 1,613,520 alleles (0.0059%); highest among the groups gnomAD compares: Middle Eastern, 0.25%; no homozygotes.

Submissions (8):

Labcorp Genetics (formerly Invitae), Labcorp
Classification: Likely benign for LAMA2-related muscular dystrophy. Last evaluated: 2026-01-12. Review status: criteria provided, single submitter. Criteria: Invitae Variant Classification Sherloc (09022015). Collection method: clinical testing. Allele origin: germline.

Mayo Clinic Laboratories, Mayo Clinic
Classification: Uncertain significance. Last evaluated: 2025-03-05. Review status: criteria provided, single submitter. Criteria: ACMG Guidelines, 2015. Collection method: clinical testing. Allele origin: germline. Observed: 2 variant alleles.
Comment: PM2_supporting

Revvity Omics, Revvity
Classification: Uncertain significance. Last evaluated: 2024-06-14. Review status: criteria provided, single submitter. Criteria: ACMG Guidelines, 2015. Collection method: clinical testing. Allele origin: germline.

Ambry Genetics
Classification: Uncertain significance for Inborn genetic diseases. Last evaluated: 2023-10-03. Review status: criteria provided, single submitter. Criteria: Ambry Variant Classification Scheme 2023. Collection method: clinical testing. Allele origin: germline.

Women's Health and Genetics/Laboratory Corporation of America, LabCorp
Classification: Uncertain significance. Last evaluated: 2023-05-16. Review status: criteria provided, single submitter. Criteria: LabCorp Variant Classification Summary - May 2015. Collection method: clinical testing. Allele origin: germline.
Comment: Variant summary: LAMA2 c.1495C>T (p.Arg499Cys) results in a non-conservative amino acid change located in the EGF-like domain (IPR000742) of the encoded protein sequence. Five of five in-silico tools predict a damaging effect of the variant on protein function. The variant allele was found at a frequency of 8.4e-05 in 251140 control chromosomes (gnomAD). This frequency is not significantly higher than estimated for a pathogenic variant in LAMA2 causing Laminin Alpha 2-Related Dystrophy (8.4e-05 vs 0.0022), allowing no conclusion about variant significance. c.1495C>T has been reported in the literature in at least one individual affected with alcoholic cardiomyopathy, however without strong evidence for causality (e.g., Ware_2018). This report therefore does not provide unequivocal conclusions about association of the variant with Laminin Alpha 2-Related Dystrophy. To our knowledge, no experimental evidence demonstrating an impact on protein function has been reported. The following publication was ascertained in the context of this evaluation (PMID: 29773157). Five ClinVar submitters (evaluation after 2014) have cited the variant with conflicting assessments: four submitters classified the variant as uncertain significance and one submitter classified the variant as likely benign. Based on the evidence outlined above, the variant was classified as uncertain significance.

GeneDx
Classification: Uncertain significance. Last evaluated: 2022-06-15. Review status: criteria provided, single submitter. Criteria: GeneDx Variant Classification Process June 2021. Collection method: clinical testing. Allele origin: germline. Affected: yes.
Comment: In silico analysis supports that this missense variant has a deleterious effect on protein structure/function; Has not been previously published as pathogenic or benign to our knowledge

Fulgent Genetics
Classification: Uncertain significance for Merosin deficient congenital muscular dystrophy; Muscular dystrophy, limb-girdle, autosomal recessive 23. Last evaluated: 2022-04-28. Review status: criteria provided, single submitter. Criteria: ACMG Guidelines, 2015. Collection method: clinical testing. Allele origin: unknown.

Baylor Genetics
Classification: Uncertain significance for Merosin deficient congenital muscular dystrophy. Last evaluated: 2019-10-03. Review status: criteria provided, single submitter. Criteria: ACMG Guidelines, 2015. Collection method: clinical testing. Allele origin: unknown. Affected: yes.
Comment: This variant was determined to be of uncertain significance according to ACMG Guidelines, 2015 [PMID:25741868].

Literature cited by the submitters: PubMed 36964972 (cited by Mayo Clinic Laboratories, Mayo Clinic); PubMed 29773157 (cited by Women's Health and Genetics/Laboratory Corporation of America, LabCorp).

NM_000426.4(LAMA2):c.1495C>T (p.Arg499Cys)

Gene: LAMA2 (laminin subunit alpha 2; plus strand). Cytogenetic location: 6q22.33.
Variant type: single nucleotide variant.
Coding change: c.1495C>T on transcript NM_000426.4 (MANE Select); coding-DNA position 1495, C replaced by T.
Protein change: p.Arg499Cys; replaces arginine 499 with cysteine.
Molecular consequence: missense variant.
Genome position (GRCh38, 1-based): chr6:129,190,232, C>T. VCF-style: chr6-129190232-C-T. GRCh37 (hg19) VCF-style: chr6-129511377-C-T.
Other names: p.Arg499Cys; c.1495C>T, p.Arg499Cys (NM_001079823.2); short protein forms R499C.
Identifiers: ClinVar variation 641857 (VCV000641857.19), dbSNP rs143626559, ClinGen allele CA3992636.